The following is an entry in ClinVar:

NM_003901.4(SGPL1):c.993C>G (p.Tyr331Ter)

Gene: SGPL1 (sphingosine-1-phosphate lyase 1; plus strand). Cytogenetic location: 10q22.1.
Variant type: single nucleotide variant.
Coding change: c.993C>G on transcript NM_003901.4 (MANE Select); coding-DNA position 993, C replaced by G.
Protein change: p.Tyr331Ter; replaces tyrosine 331 with a stop codon.
Molecular consequence: nonsense.
Genome position (GRCh38, 1-based): chr10:70,871,920, C>G. VCF-style: chr10-70871920-C-G. GRCh37 (hg19) VCF-style: chr10-72631677-C-G.
Other names: short protein forms Y331*.
Identifiers: ClinVar variation 1445356 (VCV001445356.7), dbSNP rs757042460, ClinGen allele CA377123707.
Genomic context (GRCh38, chr10:70,871,920, plus strand): 5'-CCTTCATGTCGACGCTTGTCTGGGAGGCTTCCTCATCGTCTTTATGGAGAAAGCAGGATA[C>G]CCACTGGAGCACCCATTTGATTTCCGGGTGAAAGGTGTAACCAGCATTTCAGCTGACACC-3'

ClinVar aggregate classification (germline): Pathogenic. Review status: criteria provided, multiple submitters, no conflicts (2 of 4 stars). 2 submissions from 2 submitters: Pathogenic (2). Last evaluated 2026-01-22.

gnomAD v4.1: 26 of 1,614,074 alleles (0.0016%); highest among the groups gnomAD compares: African/African-American, 0.0027%; no homozygotes.

Submissions (2):

Labcorp Genetics (formerly Invitae), Labcorp
Classification: Pathogenic. Last evaluated: 2026-01-22. Review status: criteria provided, single submitter. Criteria: Invitae Variant Classification Sherloc (09022015). Collection method: clinical testing. Allele origin: germline.
Comment: This sequence change creates a premature translational stop signal (p.Tyr331*) in the SGPL1 gene. It is expected to result in an absent or disrupted protein product. Loss-of-function variants in SGPL1 are known to be pathogenic (PMID: 28165339, 28165343). This variant is present in population databases (no rsID available, gnomAD 0.0009%). This premature translational stop signal has been observed in individual(s) with nephrotic syndrome (PMID: 31844815). ClinVar contains an entry for this variant (Variation ID: 1445356). For these reasons, this variant has been classified as Pathogenic.

GeneDx
Classification: Pathogenic. Last evaluated: 2022-06-15. Review status: criteria provided, single submitter. Criteria: GeneDx Variant Classification Process June 2021. Collection method: clinical testing. Allele origin: germline. Affected: yes.
Comment: Nonsense variant predicted to result in protein truncation or nonsense mediated decay in a gene for which loss of function is a known mechanism of disease; Not observed at significant frequency in large population cohorts (gnomAD); This variant is associated with the following publications: (PMID: 32855188, 32233035, 31844815)

Literature cited by the submitters: PubMed 28165339 (cited by Labcorp Genetics (formerly Invitae), Labcorp); PubMed 28165343 (cited by Labcorp Genetics (formerly Invitae), Labcorp); PubMed 31844815 (cited by Labcorp Genetics (formerly Invitae), Labcorp).